The following is an entry in ClinVar:

ClinVar aggregate classification (germline): Pathogenic. Review status: reviewed by expert panel (3 of 4 stars). 5 submissions from 5 submitters: Pathogenic (1). 4 of the submissions do not count toward it. Last evaluated 2025-11-09.

Conditions:
Glycogen storage disease, type II (IOPD). Also called: CARDIOMEGALIA GLYCOGENICA DIFFUSA; GLYCOGENOSIS, GENERALIZED, CARDIAC FORM; GSD II; POMPE DISEASE, INFANTILE-ONSET; GLYCOGEN STORAGE DISEASE II, INFANTILE-ONSET; ACID ALPHA-GLUCOSIDASE DEFICIENCY, INFANTILE-ONSET. Identifiers: Orphanet 365, MedGen C0017921, MONDO:0009290, OMIM 232300.

Submissions (5):

ClinGen Lysosomal Storage Disorder Variant Curation Expert Panel
Classification: Pathogenic for Glycogen storage disease, type II. Last evaluated: 2025-11-09. Review status: reviewed by expert panel. Criteria: clingen_lsd_acmg_specifications_v2-1. Collection method: curation. Allele origin: germline. Inheritance: Autosomal recessive inheritance.
Comment: The NM_000152.5:c.2261dup (p.Val755SerfsTer41) variant in GAA is a frameshift variant predicted to cause a premature stop codon in biologically-relevant-exon 17 (GAA has 20 exons), leading to nonsense mediated decay in a gene in which loss-of-function is an established disease mechanism (PVS1). Three individuals with a diagnosis of Pompe disease have been reported with this variant; two have late onset Pompe disease and are on enzyme replacement therapy with reduced GAA activity in blood and muscle but no individual results provided (PMID: 32248831). Both are compound heterozygous for the variant and another variant in GAA that has been classified as pathogenic by the ClinGen LD VCEP, c.-32-13T>G (ClinVar Variation ID: 4027), phase unconfirmed (2 x 0.5 points) (PMID: 32248831) (PP4, PM3). Another patient was reported to have infantile onset Pompe disease and to be compound heterozygous for the variant and c.1124G>T (p.Arg375Leu) (PMID: 34606154). The allelic data from this patient will be used in the classification of p.Arg375Leu and is not included here to avoid circular logic. The highest population minor allele frequency in gnomAD v4.1.0. is 8.475e-7 (1/1179920 alleles) in the non-Finnish European population, which is lower than the ClinGen Lysosomal Diseases VCEP’s threshold for PM2_Supporting (<0.001), meeting this criterion (PM2_Supporting). There is a ClinVar entry for this variant (Variation ID: : 1322949). In summary, this variant meets the criteria to be classified as pathogenic for Pompe disease. GAA-specific ACMG/AMP criteria met, as specified by the ClinGen LD VCEP (Specifications Version 2.0): PVS1, PM3, PP4, PM2_Supporting. (Classification approved by the ClinGen Lysosomal Diseases Variant Curation Expert Panel on November 9, 2025)

Genomenon, Inc
Classification: Pathogenic for Glycogen storage disease, type II. Last evaluated: 2026-07-01. Review status: criteria provided, single submitter. Criteria: Genomenon Sequence Variant Interpretation Standards - Updated. Collection method: curation. Allele origin: germline. Affected: yes. Not counted in ClinVar's aggregate classification.
Comment: GAA p.Val755SerfsTer41 (c.2261dup) is a frameshift variant that is predicted to introduce a premature termination codon and result in a truncated or absent protein product. This variant has been observed in at least one proband with a GAA-related disorder (PMID:37087815;32248831). Functional studies have been reported (PMID:34606154;34565280). It is absent or not present at a significant frequency in gnomAD. In conclusion, we classify GAA p.Val755SerfsTer41 (c.2261dup) as a pathogenic variant.

Baylor Genetics
Classification: Pathogenic for Glycogen storage disease, type II. Last evaluated: 2023-10-18. Review status: criteria provided, single submitter. Criteria: ACMG Guidelines, 2015. Collection method: clinical testing. Allele origin: unknown. Not counted in ClinVar's aggregate classification.

3billion
Classification: Pathogenic for Glycogen storage disease, type II. Last evaluated: 2022-01-03. Review status: criteria provided, single submitter. Criteria: ACMG Guidelines, 2015. Collection method: clinical testing. Allele origin: germline. Affected: yes. Observed: 1 heterozygote. Not counted in ClinVar's aggregate classification.
Comment: Frameshift: predicted to result in a loss or disruption of normal protein function through nonsense-mediated decay (NMD) or protein truncation. Multiple pathogenic variants are reported downstream of the variant (PVS1_VS). It is not observed in the gnomAD v2.1.1 dataset (PM2_M). The variant has been reported to be associated with GAA related disorder (PMID:31342611). Therefore, this variant is classified as pathogenic according to the recommendation of ACMG/AMP guideline.

Revvity Omics, Revvity
Classification: Pathogenic. Last evaluated: 2020-09-22. Review status: criteria provided, single submitter. Criteria: ACMG Guidelines, 2015. Collection method: clinical testing. Allele origin: germline. Not counted in ClinVar's aggregate classification.

Literature cited by the submitters: PubMed 37087815 (cited by Genomenon, Inc); PubMed 32248831 (cited by Genomenon, Inc); PubMed 34606154 (cited by Genomenon, Inc); PubMed 34565280 (cited by Genomenon, Inc); PubMed 31342611 (cited by 3billion).

NM_000152.5(GAA):c.2261dup (p.Val755fs)

Gene: GAA (alpha glucosidase; plus strand). Cytogenetic location: 17q25.3.
Variant type: Duplication.
Coding change: c.2261dup on transcript NM_000152.5 (MANE Select); coding-DNA position 2261, one base duplicated (C; older notation c.2261dupC).
Protein change: p.Val755fs; shifts the reading frame from valine 755.
Molecular consequence: frameshift variant.
Genome position (GRCh38, 1-based): chr17:80,117,039, C duplicated; the last of 4 consecutive C bases (chr17:80,117,036-80,117,039); duplicating any one gives the same sequence. VCF-style (leftmost placement, unchanged base first): chr17-80117035-A-AC. GRCh37 (hg19) VCF-style: chr17-78090834-A-AC.
Other names: NM_000152.5(GAA):c.2261dup; p.Val755fs; c.2261dup, p.Val755fs (NM_001079803.3, NM_001079804.3); short protein forms V755fs.
Identifiers: ClinVar variation 1322949 (VCV001322949.7), dbSNP rs1555602648, ClinGen allele CA919905274.
Genomic context (GRCh38, chr17:80,117,035, plus strand): 5'-AAGGACTCTAGCACCTGGACTGTGGACCACCAGCTCCTGTGGGGGGAGGCCCTGCTCATC[A>AC]CCCCAGTGCTCCAGGCCGGGAAGGCCGAAGTGACTGGCTACTTCCCCTTGGGCACATGGT-3'